The following is an entry in ClinVar:

ClinVar aggregate classification (germline): Benign. Review status: criteria provided, multiple submitters, no conflicts (2 of 4 stars). 7 submissions from 7 submitters: Benign (5). 2 of the submissions do not count toward it. Last evaluated 2025-04-09.

Allele frequency attached by ClinVar (database versions not stated): 1000 Genomes Project 0.03834; TOPMed 0.04047; 1000 Genomes Project 30x 0.04091; ESP Exome Variant Server 0.04121.
gnomAD v4.1: 10,636 of 1,610,786 alleles (0.66%); highest among the groups gnomAD compares: African/African-American, 13%; 626 homozygotes.

Submissions (7):

Molecular Diagnostic Laboratory for Inherited Cardiovascular Disease, Montreal Heart Institute
Classification: Benign. Last evaluated: 2025-04-09. Review status: criteria provided, single submitter. Criteria: ACMG Guidelines, 2015. Collection method: clinical testing. Allele origin: germline. Affected: no.

GeneDx
Classification: Benign. Last evaluated: 2014-01-21. Review status: criteria provided, single submitter. Criteria: GeneDx Variant Classification (06012015). Collection method: clinical testing. Allele origin: germline. Affected: yes.
Comment: This variant is considered likely benign or benign based on one or more of the following criteria: it is a conservative change, it occurs at a poorly conserved position in the protein, it is predicted to be benign by multiple in silico algorithms, and/or has population frequency not consistent with disease.

Biesecker Lab/Clinical Genomics Section, National Institutes of Health
Classification: Benign. Last evaluated: 2013-06-24. Review status: criteria provided, single submitter. Criteria: Ng et al. (Circ Cardiovasc Genet. 2013). Collection method: research. Allele origin: unknown. Observed: 9 variant alleles. Study: ClinSeq.
Comment: The study set was not selected for affection status in relation to any cancer. Pathogenicity categories were based on literature curation. See Pubmed ID:23861362 for details.

Medical sequencing

Laboratory for Molecular Medicine, Mass General Brigham Personalized Medicine
Classification: Benign. Last evaluated: 2012-03-16. Review status: criteria provided, single submitter. Criteria: LMM Criteria. Collection method: clinical testing. Allele origin: germline. Observed: 48 variant alleles.
Comment: Val5478Met in exon 45A of TTN: This variant is not expected to have clinical sig nificance because it has been identified in 12.3% (460/3738) of African American chromosomes from a broad population by the NHLBI Exome Sequencing Project (dbSNP rs72648915).

Breakthrough Genomics
Classification: Benign. Review status: criteria provided, single submitter. Criteria: ACMG Guidelines, 2015. Collection method: not provided. Allele origin: germline. Inheritance: Autosomal recessive inheritance. Affected: yes.

Clinical Genetics, Academic Medical Center
Classification: Benign. Review status: no assertion criteria provided. Collection method: clinical testing. Allele origin: germline. Affected: yes. Study: VKGL Data-share Consensus. Not counted in ClinVar's aggregate classification.

Joint Genome Diagnostic Labs from Nijmegen and Maastricht, Radboudumc and MUMC+
Classification: Benign. Review status: no assertion criteria provided. Collection method: clinical testing. Allele origin: germline. Affected: yes. Study: VKGL Data-share Consensus. Not counted in ClinVar's aggregate classification.

NM_133379.5(TTN):c.16432G>A (p.Val5478Met)

Gene: TTN (titin; minus strand). Cytogenetic location: 2q31.2.
Variant type: single nucleotide variant.
Coding change: c.16432G>A on transcript NM_133379.5; coding-DNA position 16432, G replaced by A.
Protein change: p.Val5478Met; replaces valine 5478 with methionine.
Molecular consequence: missense variant. On other transcripts: intron variant (6).
Genome position (GRCh38, 1-based): chr2:178,745,968, C>T on the plus strand (G>A on the coding strand, the complement: TTN is on the minus strand). VCF-style: chr2-178745968-C-T. GRCh37 (hg19) VCF-style: chr2-179610695-C-T.
Other names: p.V5478M:GTG>ATG; c.10360+7156G>A (NM_133378.4); c.10361-4047G>A (NM_001256850.1); c.10223-4047G>A (NM_003319.4); c.10799-4047G>A (NM_133437.4); c.10598-4047G>A (NM_133432.3); c.11312-4047G>A (NM_001267550.2); c.16432G>A (NM_133379.4); short protein forms V5478M.
Identifiers: ClinVar variation 47802 (VCV000047802.11), dbSNP rs72648915, ClinGen allele CA284497.